The following is an entry in ClinVar:

ClinVar aggregate classification (germline): Pathogenic (1 of 4 stars; one submission).

Conditions:
Vissers-Bodmer syndrome. Identifiers: MedGen C5436647, MONDO:0033618, OMIM 619033.

Submission:

Women's Health and Genetics/Laboratory Corporation of America, LabCorp
Classification: Pathogenic for Vissers-Bodmer syndrome. Last evaluated: 2025-12-31. Review status: criteria provided, single submitter. Criteria: LabCorp Variant Classification Summary - May 2015. Collection method: clinical testing. Allele origin: germline.
Comment: Variant summary: CNOT1 c.144dupA (p.Arg49ThrfsX14) results in a premature termination codon, predicted to cause a truncation of the encoded protein or absence of the protein due to nonsense mediated decay, which are commonly known mechanisms for disease. The variant was absent in 251022 control chromosomes. To our knowledge, no occurrence of c.144dupA in individuals affected with CNOT1-related conditions and no experimental evidence demonstrating its impact on protein function have been reported. No submitters have cited clinical-significance assessments for this variant to ClinVar. Based on the evidence outlined above, the variant was classified as pathogenic.

NM_016284.5(CNOT1):c.144dup (p.Arg49fs)

Gene: CNOT1 (CCR4-NOT transcription complex subunit 1; minus strand). Cytogenetic location: 16q21.
Variant type: Duplication.
Coding change: c.144dup on transcript NM_016284.5 (MANE Select); coding-DNA position 144, one base duplicated (A; older notation c.144dupA).
Protein change: p.Arg49fs; shifts the reading frame from arginine 49.
Molecular consequence: frameshift variant. On other transcripts: non-coding transcript variant (1).
Genome position (GRCh38, 1-based): chr16:58,588,865, T duplicated on the plus strand (A on the coding strand, the reverse complement: CNOT1 is on the minus strand). VCF-style (leftmost placement, unchanged base first): chr16-58588864-G-GT. GRCh37 (hg19) VCF-style: chr16-58622768-G-GT.
Other names: c.144dupA (NM_016284.5); c.144dup, p.Arg49fs (NM_001265612.2, NM_206999.3); short protein forms R49fs.
Identifiers: ClinVar variation 4688828 (VCV004688828.1).